The following is an entry in ClinVar:

ClinVar aggregate classification (germline): Uncertain significance. Review status: criteria provided, multiple submitters, no conflicts (2 of 4 stars). 2 submissions from 2 submitters: Uncertain significance (2). Last evaluated 2022-08-31.

Conditions:
Inborn genetic diseases. Identifiers: MedGen C0950123, MeSH D030342.

gnomAD v4.1: 10 of 1,612,862 alleles (0.00062%); highest among the groups gnomAD compares: Non-Finnish European, 0.00085%; no homozygotes.

Submissions (2):

Ambry Genetics
Classification: Uncertain significance for Inborn genetic diseases. Last evaluated: 2022-08-31. Review status: criteria provided, single submitter. Criteria: Ambry Variant Classification Scheme 2023. Collection method: clinical testing. Allele origin: germline.

Labcorp Genetics (formerly Invitae), Labcorp
Classification: Uncertain significance. Last evaluated: 2022-02-18. Review status: criteria provided, single submitter. Criteria: Invitae Variant Classification Sherloc (09022015). Collection method: clinical testing. Allele origin: germline.
Comment: This variant has not been reported in the literature in individuals affected with NARS2-related conditions. This variant is present in population databases (rs770595074, gnomAD 0.004%). This sequence change replaces histidine, which is basic and polar, with aspartic acid, which is acidic and polar, at codon 413 of the NARS2 protein (p.His413Asp). Algorithms developed to predict the effect of missense changes on protein structure and function (SIFT, PolyPhen-2, Align-GVGD) all suggest that this variant is likely to be tolerated. In summary, the available evidence is currently insufficient to determine the role of this variant in disease. Therefore, it has been classified as a Variant of Uncertain Significance.

NM_024678.6(NARS2):c.1237C>G (p.His413Asp)

Gene: NARS2 (asparaginyl-tRNA synthetase 2, mitochondrial; minus strand). Cytogenetic location: 11q14.1.
Variant type: single nucleotide variant.
Coding change: c.1237C>G on transcript NM_024678.6 (MANE Select); coding-DNA position 1237, C replaced by G.
Protein change: p.His413Asp; replaces histidine 413 with aspartic acid.
Molecular consequence: missense variant.
Genome position (GRCh38, 1-based): chr11:78,443,686, G>C on the plus strand (C>G on the coding strand, the complement: NARS2 is on the minus strand). VCF-style: chr11-78443686-G-C. GRCh37 (hg19) VCF-style: chr11-78154732-G-C.
Other names: c.556C>G, p.His186Asp (NM_001243251.2); short protein forms H186D, H413D.
Identifiers: ClinVar variation 2052478 (VCV002052478.5), dbSNP rs770595074, ClinGen allele CA6205550.